The following is an entry in ClinVar:

ClinVar aggregate classification (germline): Uncertain significance (1 of 4 stars; one submission).

gnomAD v4.1: 4 of 1,612,004 alleles (0.00025%); highest among the groups gnomAD compares: Non-Finnish European, 0.00034%; no homozygotes.

Submission:

GeneDx
Classification: Uncertain significance. Last evaluated: 2023-11-13. Review status: criteria provided, single submitter. Criteria: GeneDx Variant Classification Process June 2021. Collection method: clinical testing. Allele origin: germline. Affected: yes.
Comment: Not observed at significant frequency in large population cohorts (gnomAD); In silico analysis supports that this missense variant has a deleterious effect on protein structure/function; Has not been previously published as pathogenic or benign to our knowledge

NM_024741.3(ZNF408):c.1521G>T (p.Gln507His)

Gene: ZNF408 (zinc finger protein 408; plus strand). Cytogenetic location: 11p11.2.
Variant type: single nucleotide variant.
Coding change: c.1521G>T on transcript NM_024741.3 (MANE Select); coding-DNA position 1521, G replaced by T.
Protein change: p.Gln507His; replaces glutamine 507 with histidine.
Molecular consequence: missense variant.
Genome position (GRCh38, 1-based): chr11:46,705,221, G>T. VCF-style: chr11-46705221-G-T. GRCh37 (hg19) VCF-style: chr11-46726771-G-T.
Other names: c.1497G>T, p.Gln499His (NM_001184751.2); short protein forms Q499H, Q507H.
Identifiers: ClinVar variation 3363464 (VCV003363464.1).
Genomic context (GRCh38, chr11:46,705,221, plus strand): 5'-GAGGCTCCATACAGGAGAAAAGCCTTTCCTGTGCCCGCACTGTGGCCGGGCGTTTCGTCA[G>T]CGGGGCAACCTGCGTGGGCATTTGCGGCTCCACACCGGGGAGCGTCCTTACCGCTGCCCA-3'
Protein context (NP_079017.1, residues 497-517): LCPHCGRAFR[Gln507His]RGNLRGHLRL